The following is an entry in ClinVar:

NC_000001.11:g.198826991C>T

Gene: MIR181A1HG (MIR181A1 host gene; minus strand). Cytogenetic location: 1q32.1.
Variant type: single nucleotide variant.
Genome position: GRCh38 VCF-style: chr1-198826991-C-T. GRCh37 (hg19) VCF-style: chr1-198796120-C-T.
Identifiers: ClinVar variation 427753 (VCV000427753.4), dbSNP rs12406470, ClinGen allele CA10696813.
Genomic context (GRCh38, chr1:198,826,991, plus strand): 5'-GGAATCTCTTTAGCTTTTTGGCGCTTCTGAATCATAGAAACATTGTCAACTCTCAAGTGT[C>T]CAGCGCTAAAGATCAGTTTGAGCATTATACATACCTTTTTTTTCTCCTCCACATCAACCT-3'

ClinVar aggregate classification (germline): Benign. Review status: criteria provided, multiple submitters, no conflicts (2 of 4 stars). 3 submissions from 3 submitters: Benign (2). 1 of the submissions does not count toward it. Last evaluated 2020-10-28.

Conditions:
Acute myeloblastic leukemia with maturation. Also called: Acute myeloid leukemia with maturation. Identifiers: Orphanet 98834, MedGen C1879321, MONDO:0020320.

Allele frequency attached by ClinVar (database versions not stated): TOPMed 0.46894; gnomAD 0.47231 and 0.48446; 1000 Genomes Project 30x 0.50874; 1000 Genomes Project 0.51837.

Submissions (3):

H3Africa Consortium
Classification: Benign. Last evaluated: 2020-10-28. Review status: criteria provided, single submitter. Criteria: Choudhury A et al. (Nature 2020). Collection method: research. Allele origin: germline. Study: H3Africa.
Comment: While the frequency of the alternate allele in gnoMAD v2.0.2 is 0.167, its frequency in African populations is >5%. This suggests that previous classifications of this variant as pathogenic are in error.

Breakthrough Genomics
Classification: Benign. Review status: criteria provided, single submitter. Criteria: ACMG Guidelines, 2015. Collection method: not provided. Allele origin: germline. Inheritance: Unknown mechanism. Affected: yes.

Fujian Institute of Hematology, Fujian Medical University
Classification: Pathogenic for Acute myeloblastic leukemia with maturation. Review status: no assertion criteria provided. Collection method: case-control. Allele origin: germline. Affected: yes. Not counted in ClinVar's aggregate classification.
Comment: This variant contributes to development of AML-M2

Literature cited by the submitters: PubMed 29254171 (cited by Fujian Institute of Hematology, Fujian Medical University).